The following is an entry in ClinVar:

NM_153460.4(IL17RC):c.105+33G>T

Gene: IL17RC (interleukin 17 receptor C; plus strand). Cytogenetic location: 3p25.3.
Variant type: single nucleotide variant.
Coding change: c.105+33G>T on transcript NM_153460.4 (MANE Select); 33 bases into the intron after coding-DNA position 105, G replaced by T.
Molecular consequence: intron variant. On other transcripts: missense variant (1).
Genome position (GRCh38, 1-based): chr3:9,917,453, G>T. VCF-style: chr3-9917453-G-T. GRCh37 (hg19) VCF-style: chr3-9959137-G-T.
Other names: c.138G>T, p.Arg46Ser (NM_153461.4); c.105+33G>T (NM_001203263.2, NM_001203264.2, NM_001367278.1 and 4 more transcripts); short protein forms R46S.
Identifiers: ClinVar variation 2230650 (VCV002230650.5), dbSNP rs2083174482, ClinGen allele CA351753449.

ClinVar aggregate classification (germline): Uncertain significance. Review status: criteria provided, multiple submitters, no conflicts (2 of 4 stars). 2 submissions from 2 submitters: Uncertain significance (2). Last evaluated 2025-02-20.

Conditions:
Candidiasis, familial, 9 (CANDF9). Identifiers: Orphanet 1334, MedGen C4225324, MONDO:0014642, OMIM 616445.

Allele frequency attached by ClinVar (database versions not stated): gnomAD exomes below 0.00001.
gnomAD v4.1: 3 of 1,614,094 alleles (0.00019%); highest among the groups gnomAD compares: Admixed American, 0.0017%; no homozygotes.

Submissions (2):

Ambry Genetics
Classification: Uncertain significance. Last evaluated: 2025-02-20. Review status: criteria provided, single submitter. Criteria: Ambry Variant Classification Scheme 2023. Collection method: clinical testing. Allele origin: germline.

Labcorp Genetics (formerly Invitae), Labcorp
Classification: Uncertain significance for Candidiasis, familial, 9. Last evaluated: 2024-02-23. Review status: criteria provided, single submitter. Criteria: Invitae Variant Classification Sherloc (09022015). Collection method: clinical testing. Allele origin: germline.
Comment: This sequence change replaces arginine, which is basic and polar, with serine, which is neutral and polar, at codon 46 of the IL17RC protein (p.Arg46Ser). This variant is not present in population databases (gnomAD no frequency). This variant has not been reported in the literature in individuals affected with IL17RC-related conditions. ClinVar contains an entry for this variant (Variation ID: 2230650). An algorithm developed to predict the effect of missense changes on protein structure and function (PolyPhen-2) suggests that this variant is likely to be tolerated. In summary, the available evidence is currently insufficient to determine the role of this variant in disease. Therefore, it has been classified as a Variant of Uncertain Significance.